The following is an entry in ClinVar:

NM_001367561.1(DOCK7):c.945A>G (p.Pro315=)

Gene: DOCK7 (dedicator of cytokinesis 7; minus strand). Cytogenetic location: 1p31.3.
Variant type: single nucleotide variant.
Coding change: c.945A>G on transcript NM_001367561.1 (MANE Select); coding-DNA position 945, A replaced by G.
Protein change: p.Pro315=; no amino-acid change (proline 315 retained).
Molecular consequence: synonymous variant.
Genome position (GRCh38, 1-based): chr1:62,634,863, T>C on the plus strand (A>G on the coding strand, the complement: DOCK7 is on the minus strand). VCF-style: chr1-62634863-T-C. GRCh37 (hg19) VCF-style: chr1-63100534-T-C.
Other names: c.945A>G, p.Pro315= (NM_001271999.2, NM_001272000.2, NM_001272001.2 and 3 more transcripts).
Identifiers: ClinVar variation 3001752 (VCV003001752.5), dbSNP rs1655058876, ClinGen allele CA418006502.
Genomic context (GRCh38, chr1:62,634,863, plus strand): 5'-ATAAGTGATAGAAAAAATTGCTGATCTTGCCAGGGTAGTAATGGCAGCAGGTGGTACATG[T>C]GGACGTAACAACCCTTTCATCTGCTCAGAATTAAGGTCAAAATAAAAGTTTTCTGAAATC-3'
Protein context (NP_001354490.1, residues 305-325): NSEQMKGLLR[Pro315=]HVPPAAITTL

ClinVar aggregate classification (germline): Likely benign. Review status: criteria provided, multiple submitters, no conflicts (2 of 4 stars). 2 submissions from 2 submitters: Likely benign (2). Last evaluated 2026-05-01.

Conditions:
Developmental and epileptic encephalopathy, 23 (DEE23). Also called: Epileptic encephalopathy, early infantile, 23. Identifiers: Orphanet 411986, MedGen C4014492, MONDO:0014371, OMIM 615859.

Submissions (2):

CeGaT Center for Human Genetics Tuebingen
Classification: Likely benign. Last evaluated: 2026-05-01. Review status: criteria provided, single submitter. Criteria: CeGaT Center For Human Genetics Tuebingen Variant Classification Criteria Version 2. Collection method: clinical testing. Allele origin: germline. Affected: yes. Observed: 1 variant allele.
Comment: DOCK7: PM2:Supporting, BP4, BP7

Labcorp Genetics (formerly Invitae), Labcorp
Classification: Likely benign for Developmental and epileptic encephalopathy, 23. Last evaluated: 2023-04-22. Review status: criteria provided, single submitter. Criteria: Invitae Variant Classification Sherloc (09022015). Collection method: clinical testing. Allele origin: germline.